The following is an entry in ClinVar:

NM_021098.3(CACNA1H):c.2780T>C (p.Phe927Ser)

Gene: CACNA1H (calcium voltage-gated channel subunit alpha1 H; plus strand). Cytogenetic location: 16p13.3.
Variant type: single nucleotide variant.
Coding change: c.2780T>C on transcript NM_021098.3 (MANE Select); coding-DNA position 2780, T replaced by C.
Protein change: p.Phe927Ser; replaces phenylalanine 927 with serine.
Molecular consequence: missense variant.
Genome position (GRCh38, 1-based): chr16:1,206,280, T>C. VCF-style: chr16-1206280-T-C. GRCh37 (hg19) VCF-style: chr16-1256280-T-C.
Other names: c.2780T>C, p.Phe927Ser (NM_001005407.2); short protein forms F927S.
Identifiers: ClinVar variation 1697115 (VCV001697115.2), dbSNP rs2141298140, ClinGen allele CA394169533.

ClinVar aggregate classification (germline): Uncertain significance (1 of 4 stars; one submission).

Submission:

GeneDx
Classification: Uncertain significance. Last evaluated: 2022-01-15. Review status: criteria provided, single submitter. Criteria: GeneDx Variant Classification Process June 2021. Collection method: clinical testing. Allele origin: germline. Affected: yes.
Comment: Not observed at significant frequency in large population cohorts (gnomAD); In silico analysis supports that this missense variant has a deleterious effect on protein structure/function; Has not been previously published as pathogenic or benign to our knowledge